The following is an entry in ClinVar:

NM_017415.3(KLHL3):c.1007G>T (p.Arg336Ile)

Gene: KLHL3 (kelch like family member 3; minus strand). Cytogenetic location: 5q31.2.
Variant type: single nucleotide variant.
Coding change: c.1007G>T on transcript NM_017415.3 (MANE Select); coding-DNA position 1007, G replaced by T.
Protein change: p.Arg336Ile; replaces arginine 336 with isoleucine.
Molecular consequence: missense variant.
Genome position (GRCh38, 1-based): chr5:137,639,874, C>A on the plus strand (G>T on the coding strand, the complement: KLHL3 is on the minus strand). VCF-style: chr5-137639874-C-A. GRCh37 (hg19) VCF-style: chr5-136975563-C-A.
Other names: c.911G>T, p.Arg304Ile (NM_001257194.1); c.761G>T, p.Arg254Ile (NM_001257195.2); short protein forms R336I, R254I, R304I.
Identifiers: ClinVar variation 30520 (VCV000030520.7), dbSNP rs199469640, ClinGen allele CA129306.

ClinVar aggregate classification (germline): Pathogenic/Likely pathogenic. Review status: criteria provided, multiple submitters, no conflicts (2 of 4 stars). 5 submissions from 5 submitters: Pathogenic (1); Likely pathogenic (2). 2 of the submissions do not count toward it. Last evaluated 2025-06-10.

Conditions:
Pseudohypoaldosteronism type 2D (PHA2D). Also called: Pseudohypoaldosteronism Type IID; FAMILIAL HYPERKALEMIC HYPERTENSION; PSEUDOHYPOALDOSTERONISM, TYPE IID, AUTOSOMAL DOMINANT OR RECESSIVE. Identifiers: Orphanet 300525, Orphanet 757, MedGen C3469605, MONDO:0013781, OMIM 614495.
Pseudohypoaldosteronism type 2A (PHA2A). Also called: HYPERTENSIVE HYPERKALEMIA, FAMILIAL; GORDON HYPERKALEMIA-HYPERTENSION SYNDROME. Identifiers: Orphanet 757, Orphanet 88938, MedGen C1840389, MONDO:0007772, OMIM 145260.

Allele frequency attached by ClinVar (database versions not stated): gnomAD exomes below 0.00001; ExAC 0.00001.
gnomAD v4.1: 2 of 1,614,006 alleles (0.00012%); highest among the groups gnomAD compares: Admixed American, 0.0017%; no homozygotes.

Submissions (5):

Labcorp Genetics (formerly Invitae), Labcorp
Classification: Pathogenic. Last evaluated: 2025-06-10. Review status: criteria provided, single submitter. Criteria: Invitae Variant Classification Sherloc (09022015). Collection method: clinical testing. Allele origin: germline.
Comment: This sequence change replaces arginine, which is basic and polar, with isoleucine, which is neutral and non-polar, at codon 336 of the KLHL3 protein (p.Arg336Ile). This variant is present in population databases (rs199469640, gnomAD 0.003%). This missense change has been observed in individual(s) with autosomal recessive pseudohypoaldosteronism type II (PMID: 22266938). It has also been observed to segregate with disease in related individuals. ClinVar contains an entry for this variant (Variation ID: 30520). Invitae Evidence Modeling of protein sequence and biophysical properties (such as structural, functional, and spatial information, amino acid conservation, physicochemical variation, residue mobility, and thermodynamic stability) indicates that this missense variant is expected to disrupt KLHL3 protein function with a positive predictive value of 80%. For these reasons, this variant has been classified as Pathogenic.

Genetic Services Laboratory, University of Chicago
Classification: Likely pathogenic. Last evaluated: 2024-04-26. Review status: criteria provided, single submitter. Criteria: ACMG Guidelines, 2015. Collection method: clinical testing. Allele origin: germline. Affected: yes.
Comment: DNA sequence analysis of the KLHL3 gene demonstrated a sequence change, c.1007G>T, in exon 9 that results in an amino acid change, p.Arg336Ile. The p.Arg336Ile change affects a highly conserved amino acid residue located in a domain of the KLHL3 protein that is known to be functional. This sequence change has been described in the gnomAD database in 2 individuals which corresponds to a population frequency of 0.0001% (dbSNP rs199469640). The p.Arg336Ile substitution appears to be deleterious using several in-silico pathogenicity prediction tools (SIFT, PolyPhen2, Align GVGD, REVEL). This sequence change has been found in trans with the p.R240X KLHL3 variant in 3 Psueudohypoaldosteronism type II patients from the same family (PMID: 22266938). Collectively, this evidence indicates that this sequence change is likely pathogenic, however functional studies have not been performed to prove this conclusively.

Fulgent Genetics
Classification: Likely pathogenic for Pseudohypoaldosteronism type 2D. Last evaluated: 2024-01-23. Review status: criteria provided, single submitter. Criteria: ACMG Guidelines, 2015. Collection method: clinical testing. Allele origin: germline.

OMIM
Classification: Pathogenic for PSEUDOHYPOALDOSTERONISM, TYPE IID, AUTOSOMAL RECESSIVE. Last evaluated: 2012-01-22. Review status: no assertion criteria provided. Collection method: literature only. Allele origin: germline. Not counted in ClinVar's aggregate classification.

Richard Lifton Laboratory, Yale University School of Medicine
Classification: Pathogenic for Pseudohypoaldosteronism, type 2. Review status: no assertion criteria provided. Collection method: not provided. Allele origin: germline. Not counted in ClinVar's aggregate classification.
Comment: recessive;Kelch propeller domain
ClinVar note: Converted during submission from pathogenic to Pathogenic.

Literature cited by the submitters: PubMed 22266938 (cited by Labcorp Genetics (formerly Invitae), Labcorp and OMIM).